The following is an entry in ClinVar:

NM_019842.4(KCNQ5):c.472A>G (p.Ser158Gly)

Gene: KCNQ5 (potassium voltage-gated channel subfamily Q member 5; plus strand). Cytogenetic location: 6q13.
Variant type: single nucleotide variant.
Coding change: c.472A>G on transcript NM_019842.4 (MANE Select); coding-DNA position 472, A replaced by G.
Protein change: p.Ser158Gly; replaces serine 158 with glycine.
Molecular consequence: missense variant.
Genome position (GRCh38, 1-based): chr6:73,003,981, A>G. VCF-style: chr6-73003981-A-G. GRCh37 (hg19) VCF-style: chr6-73713704-A-G.
Other names: c.472A>G, p.Ser158Gly (NM_001160130.2, NM_001160132.2, NM_001160133.2 and 1 more transcripts); short protein forms S158G.
Identifiers: ClinVar variation 2526970 (VCV002526970.3), dbSNP rs906151575, ClinGen allele CA141492446.

ClinVar aggregate classification (germline): Uncertain significance. Review status: criteria provided, multiple submitters, no conflicts (2 of 4 stars). 2 submissions from 2 submitters: Uncertain significance (2). Last evaluated 2023-03-20.

Conditions:
Inborn genetic diseases. Identifiers: MedGen C0950123, MeSH D030342.
KCNQ5-related disorder. Also called: KCNQ5-related condition.

Allele frequency attached by ClinVar (database versions not stated): gnomAD 0.00001.
gnomAD v4.1: 4 of 1,606,906 alleles (0.00025%); highest among the groups gnomAD compares: Non-Finnish European, 0.00026%; no homozygotes.

Submissions (2):

Ambry Genetics
Classification: Uncertain significance for Inborn genetic diseases. Last evaluated: 2023-03-20. Review status: criteria provided, single submitter. Criteria: Ambry Variant Classification Scheme 2023. Collection method: clinical testing. Allele origin: germline.

PreventionGenetics, part of Exact Sciences
Classification: Uncertain significance for KCNQ5-related condition. Last evaluated: 2022-10-06. Review status: criteria provided, single submitter. Criteria: ACMG Guidelines, 2015. Collection method: clinical testing. Allele origin: germline.
Comment: The KCNQ5 c.472A>G variant is predicted to result in the amino acid substitution p.Ser158Gly. To our knowledge, this variant has not been reported in the literature. This variant is reported in 0.00088% of alleles in individuals of European (Non-Finnish) descent in gnomAD. At this time, the clinical significance of this variant is uncertain due to the absence of conclusive functional and genetic evidence.